The following is an entry in ClinVar:

NM_173689.7(CRB2):c.682G>A (p.Ala228Thr)

Gene: CRB2 (crumbs cell polarity complex component 2; plus strand). Cytogenetic location: 9q33.3.
Variant type: single nucleotide variant.
Coding change: c.682G>A on transcript NM_173689.7 (MANE Select); coding-DNA position 682, G replaced by A.
Protein change: p.Ala228Thr; replaces alanine 228 with threonine.
Molecular consequence: missense variant.
Genome position (GRCh38, 1-based): chr9:123,366,294, G>A. VCF-style: chr9-123366294-G-A. GRCh37 (hg19) VCF-style: chr9-126128573-G-A.
Other names: c.682G>A (NM_173689.5); short protein forms A228T.
Identifiers: ClinVar variation 1015566 (VCV001015566.6), dbSNP rs769223116, ClinGen allele CA5231734.

ClinVar aggregate classification (germline): Uncertain significance. Review status: criteria provided, multiple submitters, no conflicts (2 of 4 stars). 2 submissions from 2 submitters: Uncertain significance (2). Last evaluated 2025-03-27.

Conditions:
Inborn genetic diseases. Identifiers: MedGen C0950123, MeSH D030342.

Allele frequency attached by ClinVar (database versions not stated): gnomAD 0.00003 and 0.00001; TOPMed 0.00003; ExAC 0.00022; gnomAD exomes 0.00005.

Submissions (2):

Ambry Genetics
Classification: Uncertain significance for Inborn genetic diseases. Last evaluated: 2025-03-27. Review status: criteria provided, single submitter. Criteria: Ambry Variant Classification Scheme 2023. Collection method: clinical testing. Allele origin: germline.

Labcorp Genetics (formerly Invitae), Labcorp
Classification: Uncertain significance. Last evaluated: 2024-12-18. Review status: criteria provided, single submitter. Criteria: Invitae Variant Classification Sherloc (09022015). Collection method: clinical testing. Allele origin: germline.
Comment: This sequence change replaces alanine, which is neutral and non-polar, with threonine, which is neutral and polar, at codon 228 of the CRB2 protein (p.Ala228Thr). The frequency data for this variant in the population databases is considered unreliable, as metrics indicate poor data quality at this position in the gnomAD database. This variant has not been reported in the literature in individuals affected with CRB2-related conditions. ClinVar contains an entry for this variant (Variation ID: 1015566). Invitae Evidence Modeling of protein sequence and biophysical properties (such as structural, functional, and spatial information, amino acid conservation, physicochemical variation, residue mobility, and thermodynamic stability) has been performed for this missense variant. However, the output from this modeling did not meet the statistical confidence thresholds required to predict the impact of this variant on CRB2 protein function. In summary, the available evidence is currently insufficient to determine the role of this variant in disease. Therefore, it has been classified as a Variant of Uncertain Significance.